The following is an entry in ClinVar:

NM_005219.5(DIAPH1):c.144+5G>C

Gene: DIAPH1 (diaphanous related formin 1; minus strand). Cytogenetic location: 5q31.3.
Variant type: single nucleotide variant.
Coding change: c.144+5G>C on transcript NM_005219.5 (MANE Select); 5 bases into the intron after coding-DNA position 144, G replaced by C.
Molecular consequence: intron variant.
Genome position (GRCh38, 1-based): chr5:141,588,219, C>G on the plus strand (G>C on the coding strand, the complement: DIAPH1 is on the minus strand). VCF-style: chr5-141588219-C-G. GRCh37 (hg19) VCF-style: chr5-140967786-C-G.
Other names: c.118-1022G>C (NM_001079812.3); c.144+5G>C (NM_001314007.2).
Identifiers: ClinVar variation 2414598 (VCV002414598.8), dbSNP rs777060994, ClinGen allele CA3479685.

ClinVar aggregate classification (germline): Uncertain significance (1 of 4 stars; one submission).

Conditions:
Progressive microcephaly-seizures-cortical blindness-developmental delay syndrome. Also called: Seizures, cortical blindness, and microcephaly syndrome. Identifiers: Orphanet 477814, MedGen C5567650, MONDO:0014714, OMIM 616632.
Autosomal dominant nonsyndromic hearing loss 1. Also called: KONIGSMARK SYNDROME; DEAFNESS, AUTOSOMAL DOMINANT 1, WITH OR WITHOUT THROMBOCYTOPENIA. Identifiers: Orphanet 90635, MedGen C1852282, MONDO:0007424, OMIM 124900.

Allele frequency attached by ClinVar (database versions not stated): gnomAD exomes below 0.00001; TOPMed 0.00001; ExAC 0.00002.
gnomAD v4.1: 6 of 1,610,968 alleles (0.00037%); highest among the groups gnomAD compares: East Asian, 0.013%; no homozygotes.

Submission:

Labcorp Genetics (formerly Invitae), Labcorp
Classification: Uncertain significance for Progressive microcephaly-seizures-cortical blindness-developmental delay syndrome; Autosomal dominant nonsyndromic hearing loss 1. Last evaluated: 2022-07-26. Review status: criteria provided, single submitter. Criteria: Invitae Variant Classification Sherloc (09022015). Collection method: clinical testing. Allele origin: germline.
Comment: In summary, the available evidence is currently insufficient to determine the role of this variant in disease. Therefore, it has been classified as a Variant of Uncertain Significance. Variants that disrupt the consensus splice site are a relatively common cause of aberrant splicing (PMID: 17576681, 9536098). Algorithms developed to predict the effect of sequence changes on RNA splicing suggest that this variant is not likely to affect RNA splicing. This variant has not been reported in the literature in individuals affected with DIAPH1-related conditions. This variant is present in population databases (rs777060994, gnomAD 0.02%). This sequence change falls in intron 2 of the DIAPH1 gene. It does not directly change the encoded amino acid sequence of the DIAPH1 protein. It affects a nucleotide within the consensus splice site.

Literature cited by the submitters: PubMed 17576681; PubMed 9536098.